The following is an entry in ClinVar:

NM_080680.3(COL11A2):c.338G>T (p.Gly113Val)

Gene: COL11A2 (collagen type XI alpha 2 chain; minus strand). Cytogenetic location: 6p21.32.
Variant type: single nucleotide variant.
Coding change: c.338G>T on transcript NM_080680.3 (MANE Select); coding-DNA position 338, G replaced by T.
Protein change: p.Gly113Val; replaces glycine 113 with valine.
Molecular consequence: missense variant.
Genome position (GRCh38, 1-based): chr6:33,189,083, C>A on the plus strand (G>T on the coding strand, the complement: COL11A2 is on the minus strand). VCF-style: chr6-33189083-C-A. GRCh37 (hg19) VCF-style: chr6-33156860-C-A.
Other names: c.338G>T, p.Gly113Val (NM_001163771.2, NM_080679.3, NM_080681.3); short protein forms G113V.
Identifiers: ClinVar variation 228534 (VCV000228534.14), dbSNP rs199946338, ClinGen allele CA3751690.

ClinVar aggregate classification (germline): Uncertain significance. Review status: criteria provided, multiple submitters, no conflicts (2 of 4 stars). 3 submissions from 3 submitters: Uncertain significance (3). Last evaluated 2026-03-31.

Allele frequency attached by ClinVar (database versions not stated): ExAC 0.00002; gnomAD exomes 0.00006 and 0.00001; TOPMed 0.00002; gnomAD 0.00003 and 0.00002; 1000 Genomes Project 0.00020; 1000 Genomes Project 30x 0.00016.
gnomAD v4.1: 95 of 1,614,214 alleles (0.0059%); highest among the groups gnomAD compares: Non-Finnish European, 0.008%; no homozygotes.

Submissions (3):

GeneDx
Classification: Uncertain significance. Last evaluated: 2026-03-31. Review status: criteria provided, single submitter. Criteria: GeneDx Variant Classification Process June 2021. Collection method: clinical testing. Allele origin: germline.
Comment: Not observed at significant frequency in large population cohorts (gnomAD); In silico analysis supports that this missense variant has a deleterious effect on protein structure/function; Has not been previously published as pathogenic or benign to our knowledge

Labcorp Genetics (formerly Invitae), Labcorp
Classification: Uncertain significance. Last evaluated: 2025-03-17. Review status: criteria provided, single submitter. Criteria: Invitae Variant Classification Sherloc (09022015). Collection method: clinical testing. Allele origin: germline.
Comment: This sequence change replaces glycine, which is neutral and non-polar, with valine, which is neutral and non-polar, at codon 113 of the COL11A2 protein (p.Gly113Val). This variant is present in population databases (rs199946338, gnomAD 0.004%). This variant has not been reported in the literature in individuals affected with COL11A2-related conditions. ClinVar contains an entry for this variant (Variation ID: 228534). An algorithm developed to predict the effect of missense changes on protein structure and function (PolyPhen-2) suggests that this variant is likely to be disruptive. In summary, the available evidence is currently insufficient to determine the role of this variant in disease. Therefore, it has been classified as a Variant of Uncertain Significance.

Laboratory for Molecular Medicine, Mass General Brigham Personalized Medicine
Classification: Uncertain significance. Last evaluated: 2015-02-26. Review status: criteria provided, single submitter. Criteria: LMM Criteria. Collection method: clinical testing. Allele origin: germline. Observed: 1 variant allele.
Comment: The p.Gly113Val variant in COL11A2 has not been previously reported in individua ls with hearing loss, but has been identified in 2/66596 European chromosomes by the Exome Aggregation Consortium (ExAC; dbSNP r s199946338). Although this variant has been seen in the general population, its frequency is not high enough to rule out a pathogenic role. Computational predic tion tools and conservation analysis do not provide strong support for or agains t an impact to the protein. In summary, the clinical significance of the p.Gly11 3Val variant is uncertain.